The following is an entry in ClinVar:

ClinVar aggregate classification (germline): Uncertain significance (1 of 4 stars; one submission).

Conditions:
Infantile-onset X-linked spinal muscular atrophy. Also called: AMC, DISTAL, X-LINKED; ARTHROGRYPOSIS, X-LINKED, TYPE I; SPINAL MUSCULAR ATROPHY, X-LINKED LETHAL INFANTILE; Spinal Muscular Atrophy, X-Linked Infantile; Spinal muscular atrophy, X-linked 2. Identifiers: Orphanet 1145, MedGen C1844934, MONDO:0010532, OMIM 301830.

Submission:

Labcorp Genetics (formerly Invitae), Labcorp
Classification: Uncertain significance for Infantile-onset X-linked spinal muscular atrophy. Last evaluated: 2024-04-25. Review status: criteria provided, single submitter. Criteria: Invitae Variant Classification Sherloc (09022015). Collection method: clinical testing. Allele origin: germline.
Comment: This sequence change replaces isoleucine, which is neutral and non-polar, with leucine, which is neutral and non-polar, at codon 479 of the UBA1 protein (p.Ile479Leu). This variant is not present in population databases (gnomAD no frequency). This variant has not been reported in the literature in individuals affected with UBA1-related conditions. An algorithm developed to predict the effect of missense changes on protein structure and function (PolyPhen-2) suggests that this variant is likely to be tolerated. In summary, the available evidence is currently insufficient to determine the role of this variant in disease. Therefore, it has been classified as a Variant of Uncertain Significance.

NM_003334.4(UBA1):c.1435A>C (p.Ile479Leu)

Gene: UBA1 (ubiquitin like modifier activating enzyme 1; plus strand). Cytogenetic location: Xp11.3.
Variant type: single nucleotide variant.
Coding change: c.1435A>C on transcript NM_003334.4 (MANE Select); coding-DNA position 1435, A replaced by C.
Protein change: p.Ile479Leu; replaces isoleucine 479 with leucine.
Molecular consequence: missense variant.
Genome position (GRCh38, 1-based): chrX:47,203,556, A>C. VCF-style: chrX-47203556-A-C. GRCh37 (hg19) VCF-style: chrX-47062955-A-C.
Other names: c.1435A>C, p.Ile479Leu (NM_153280.3); short protein forms I479L.
Identifiers: ClinVar variation 3650355 (VCV003650355.2).